The following is an entry in ClinVar:

NM_002900.3(RBP3):c.2434_2437del (p.Val812fs)

Gene: RBP3 (retinol binding protein 3; plus strand). Cytogenetic location: 10q11.22.
Variant type: Deletion.
Coding change: c.2434_2437del on transcript NM_002900.3 (MANE Select); coding-DNA positions 2434 to 2437, 4 bases deleted (GTCT; older notation c.2434_2437delGTCT).
Protein change: p.Val812fs; shifts the reading frame from valine 812.
Molecular consequence: frameshift variant.
Genome position (GRCh38, 1-based): chr10:47,350,918-47,350,921, GTCT deleted; deleting any 4 consecutive bases within chr10:47,350,915-47,350,921 gives the same sequence; the c. name uses the placement nearest the transcript's 3' end. VCF-style (leftmost placement, unchanged base first): chr10-47350914-TTCTG-T. GRCh37 (hg19) VCF-style: chr10-48388440-AAGAC-A.
Other names: short protein forms V812fs.
Identifiers: ClinVar variation 1069455 (VCV001069455.7), dbSNP rs2132255138, ClinGen allele CA2499220244.

ClinVar aggregate classification (germline): Pathogenic (1 of 4 stars; one submission).

Submission:

Labcorp Genetics (formerly Invitae), Labcorp
Classification: Pathogenic. Last evaluated: 2022-07-26. Review status: criteria provided, single submitter. Criteria: Invitae Variant Classification Sherloc (09022015). Collection method: clinical testing. Allele origin: germline.
Comment: ClinVar contains an entry for this variant (Variation ID: 1069455). This sequence change creates a premature translational stop signal (p.Val812Leufs*31) in the RBP3 gene. It is expected to result in an absent or disrupted protein product. Loss-of-function variants in RBP3 are known to be pathogenic (PMID: 9614228, 23105016, 25766589). This variant is not present in population databases (gnomAD no frequency). This variant has not been reported in the literature in individuals affected with RBP3-related conditions. For these reasons, this variant has been classified as Pathogenic.

Literature cited by the submitters: PubMed 9614228; PubMed 23105016; PubMed 25766589.